The following is an entry in ClinVar:

ClinVar aggregate classification (germline): Uncertain significance (1 of 4 stars; one submission).

Allele frequency attached by ClinVar (database versions not stated): gnomAD exomes below 0.00001.
gnomAD v4.1: 1 of 1,614,128 alleles (0.000062%); highest among the groups gnomAD compares: South Asian, 0.0011%; no homozygotes.

Submission:

Labcorp Genetics (formerly Invitae), Labcorp
Classification: Uncertain significance. Last evaluated: 2024-10-15. Review status: criteria provided, single submitter. Criteria: Invitae Variant Classification Sherloc (09022015). Collection method: clinical testing. Allele origin: germline.
Comment: This sequence change replaces methionine, which is neutral and non-polar, with threonine, which is neutral and polar, at codon 2427 of the MACF1 protein (p.Met2427Thr). This variant is present in population databases (no rsID available, gnomAD 0.003%). This variant has not been reported in the literature in individuals affected with MACF1-related conditions. ClinVar contains an entry for this variant (Variation ID: 1715478). An algorithm developed to predict the effect of missense changes on protein structure and function outputs the following: PolyPhen-2: "Benign". The threonine amino acid residue is found in multiple mammalian species, which suggests that this missense change does not adversely affect protein function. In summary, the available evidence is currently insufficient to determine the role of this variant in disease. Therefore, it has been classified as a Variant of Uncertain Significance.

NM_001394062.1(MACF1):c.13466T>C (p.Met4489Thr)

Gene: MACF1 (microtubule actin crosslinking factor 1; plus strand). Cytogenetic location: 1p34.3.
Variant type: single nucleotide variant.
Coding change: c.13466T>C on transcript NM_001394062.1 (MANE Select); coding-DNA position 13466, T replaced by C.
Protein change: p.Met4489Thr; replaces methionine 4489 with threonine.
Molecular consequence: missense variant.
Genome position (GRCh38, 1-based): chr1:39,379,392, T>C. VCF-style: chr1-39379392-T-C. GRCh37 (hg19) VCF-style: chr1-39845064-T-C.
Other names: c.7280T>C, p.Met2427Thr (NM_012090.5); short protein forms M2427T, M4489T.
Identifiers: ClinVar variation 1715478 (VCV001715478.5), dbSNP rs1307774922, ClinGen allele CA339831312.